The following is an entry in ClinVar:

NM_025137.4(SPG11):c.3785G>T (p.Gly1262Val)

Gene: SPG11 (SPG11 vesicle trafficking associated, spatacsin; minus strand). Cytogenetic location: 15q21.1.
Variant type: single nucleotide variant.
Coding change: c.3785G>T on transcript NM_025137.4 (MANE Select); coding-DNA position 3785, G replaced by T.
Protein change: p.Gly1262Val; replaces glycine 1262 with valine.
Molecular consequence: missense variant.
Genome position (GRCh38, 1-based): chr15:44,598,738, C>A on the plus strand (G>T on the coding strand, the complement: SPG11 is on the minus strand). VCF-style: chr15-44598738-C-A. GRCh37 (hg19) VCF-style: chr15-44890936-C-A.
Other names: c.3785G>T, p.Gly1262Val (NM_001160227.2); short protein forms G1262V.
Identifiers: ClinVar variation 374071 (VCV000374071.11), dbSNP rs1057518874, ClinGen allele CA16043489.
Genomic context (GRCh38, chr15:44,598,738, plus strand): 5'-TTGTAGCTCAAAATTATATTGGCCACTTTCATATCAACTCTGAGCTTGAGGCTGTCAAGG[C>A]CAAGCAATTCTAAGAAACAAACACATGCAGCTCCTATTGAAGGTATGTGGAAGGAGGAGA-3'
Protein context (NP_079413.3, residues 1252-1272): AACVCFLELL[Gly1262Val]LDSLKLRVDM

ClinVar aggregate classification (germline): Conflicting classifications of pathogenicity. Review status: criteria provided, conflicting classifications (1 of 4 stars). 4 submissions from 3 submitters: Likely pathogenic (2); Uncertain significance (2). Last evaluated 2024-12-18.

Conditions:
Hereditary spastic paraplegia 11. Also called: Spastic Paraplegia 11; Nakamura Osame syndrome; Autosomal recessive hereditary spastic paraplegia, mental impairment, and thin corpus callosum; SPASTIC PARAPLEGIA, AUTOSOMAL RECESSIVE, COMPLICATED, WITH THIN CORPUS CALLOSUM; SPASTIC PARAPLEGIA, AUTOSOMAL RECESSIVE, WITH MENTAL IMPAIRMENT AND THIN CORPUS CALLOSUM; Spastic paraplegia, mental retardation and thin corpus callosum. Identifiers: Orphanet 2822, MedGen C1858479, MONDO:0011445, OMIM 604360.
Generalized hyperreflexia. Identifiers: MedGen C4024949, HP:0007034.
Difficulty walking. Identifiers: MedGen C0311394.
Gait disturbance. Also called: Gait abnormality; Abnormal gait. Identifiers: MedGen C0575081, HP:0001288.
Spastic paraparesis. Identifiers: MedGen C0037771, HP:0002313.

gnomAD v4.1: 1 of 1,614,110 alleles (0.000062%); highest among the groups gnomAD compares: Non-Finnish European, 0.000085%; no homozygotes.

Submissions (4):

GeneDx
Classification: Uncertain significance. Last evaluated: 2024-12-18. Review status: criteria provided, single submitter. Criteria: GeneDx Variant Classification Process June 2021. Collection method: clinical testing. Allele origin: germline. Affected: yes.
Comment: Not observed at significant frequency in large population cohorts (gnomAD); In silico analysis supports that this missense variant has a deleterious effect on protein structure/function; Has not been previously published as pathogenic or benign to our knowledge; This variant is associated with the following publications: (PMID: 26556829)

Labcorp Genetics (formerly Invitae), Labcorp
Classification: Uncertain significance for Hereditary spastic paraplegia 11. Last evaluated: 2024-06-03. Review status: criteria provided, single submitter. Criteria: Invitae Variant Classification Sherloc (09022015). Collection method: clinical testing. Allele origin: germline.
Comment: This sequence change replaces glycine, which is neutral and non-polar, with valine, which is neutral and non-polar, at codon 1262 of the SPG11 protein (p.Gly1262Val). This variant is not present in population databases (gnomAD no frequency). This variant has not been reported in the literature in individuals affected with SPG11-related conditions. ClinVar contains an entry for this variant (Variation ID: 374071). Advanced modeling of protein sequence and biophysical properties (such as structural, functional, and spatial information, amino acid conservation, physicochemical variation, residue mobility, and thermodynamic stability) performed at Invitae indicates that this missense variant is expected to disrupt SPG11 protein function with a positive predictive value of 80%. In summary, the available evidence is currently insufficient to determine the role of this variant in disease. Therefore, it has been classified as a Variant of Uncertain Significance.

Centre for Mendelian Genomics, University Medical Centre Ljubljana
Classification: Likely pathogenic for Hereditary spastic paraplegia 11. Last evaluated: 2018-09-25. Review status: criteria provided, single submitter. Criteria: ACMG Guidelines, 2015. Collection method: clinical testing. Allele origin: unknown. Affected: yes.
Comment: This variant was classified as: Likely pathogenic. The following ACMG criteria were applied in classifying this variant: PS1,PM2,PP3.

Centre for Mendelian Genomics, University Medical Centre Ljubljana
Classification: Likely pathogenic for Gait disturbance; Generalized hyperreflexia; Spastic paraparesis. Last evaluated: 2015-05-05. Review status: criteria provided, single submitter. Criteria: ACMG Guidelines, 2015. Collection method: clinical testing. Allele origin: unknown. Affected: yes.